The following is an entry in ClinVar:

ClinVar aggregate classification (germline): Uncertain significance. Review status: criteria provided, multiple submitters, no conflicts (2 of 4 stars). 3 submissions from 3 submitters: Uncertain significance (3). Last evaluated 2025-08-25.

Conditions:
Cardiovascular phenotype. Identifiers: MedGen CN230736.
Ehlers-Danlos syndrome, classic type, 1 (EDSCL1). Also called: EHLERS-DANLOS SYNDROME, GRAVIS TYPE; EHLERS-DANLOS SYNDROME, SEVERE CLASSIC TYPE; EDS I; Ehlers-Danlos Syndrome, Classic Type, COL5A1-Related; Ehlers-Danlos syndrome, type 1. Identifiers: MedGen C0268335, MONDO:0019567, OMIM 130000.
Osteogenesis imperfecta type I (OI1). Also called: OI, TYPE I; OSTEOGENESIS IMPERFECTA TARDA; OSTEOGENESIS IMPERFECTA WITH BLUE SCLERAE; Classic Non-deforming Osteogenesis Imperfecta with Blue Sclerae; Lobstein disease; Osteogenesis imperfecta type 1. Identifiers: Orphanet 216796, Orphanet 666, MedGen C0023931, MONDO:0008146, OMIM 166200. Disease mechanism: loss of function.

Allele frequency attached by ClinVar (database versions not stated): gnomAD 0.00001; ExAC 0.00002; TOPMed 0.00001; gnomAD exomes 0.00002; ESP Exome Variant Server 0.00008.
gnomAD v4.1: 14 of 1,613,926 alleles (0.00087%); highest among the groups gnomAD compares: Admixed American, 0.0033%; no homozygotes.

Submissions (3):

Ambry Genetics
Classification: Uncertain significance for Cardiovascular phenotype. Last evaluated: 2025-08-25. Review status: criteria provided, single submitter. Criteria: Ambry Variant Classification Scheme 2023. Collection method: clinical testing. Allele origin: germline.
Comment: The p.P1346S variant (also known as c.4036C>T), located in coding exon 52 of the COL1A2 gene, results from a C to T substitution at nucleotide position 4036. The proline at codon 1346 is replaced by serine, an amino acid with similar properties. This amino acid position is highly conserved in available vertebrate species. In addition, the in silico prediction for this alteration is inconclusive. Based on the available evidence, the clinical significance of this variant remains unclear.

Labcorp Genetics (formerly Invitae), Labcorp
Classification: Uncertain significance for Osteogenesis imperfecta type I; Ehlers-Danlos syndrome, classic type, 1. Last evaluated: 2025-03-15. Review status: criteria provided, single submitter. Criteria: Invitae Variant Classification Sherloc (09022015). Collection method: clinical testing. Allele origin: germline.
Comment: This sequence change replaces proline, which is neutral and non-polar, with serine, which is neutral and polar, at codon 1346 of the COL1A2 protein (p.Pro1346Ser). This variant is present in population databases (rs369008932, gnomAD 0.006%). This variant has not been reported in the literature in individuals affected with COL1A2-related conditions. ClinVar contains an entry for this variant (Variation ID: 456838). Invitae Evidence Modeling of protein sequence and biophysical properties (such as structural, functional, and spatial information, amino acid conservation, physicochemical variation, residue mobility, and thermodynamic stability) indicates that this missense variant is expected to disrupt COL1A2 protein function with a positive predictive value of 95%. In summary, the available evidence is currently insufficient to determine the role of this variant in disease. Therefore, it has been classified as a Variant of Uncertain Significance.

GeneDx
Classification: Uncertain significance. Last evaluated: 2019-09-06. Review status: criteria provided, single submitter. Criteria: GeneDx Variant Classification Process June 2021. Collection method: clinical testing. Allele origin: germline. Affected: yes.
Comment: In silico analysis, which includes protein predictors and evolutionary conservation, supports a deleterious effect; Has not been previously published as pathogenic or benign to our knowledge

NM_000089.4(COL1A2):c.4036C>T (p.Pro1346Ser)

Gene: COL1A2 (collagen type I alpha 2 chain; plus strand). Cytogenetic location: 7q21.3.
Variant type: single nucleotide variant.
Coding change: c.4036C>T on transcript NM_000089.4 (MANE Select); coding-DNA position 4036, C replaced by T.
Protein change: p.Pro1346Ser; replaces proline 1346 with serine.
Molecular consequence: missense variant.
Genome position (GRCh38, 1-based): chr7:94,430,328, C>T. VCF-style: chr7-94430328-C-T. GRCh37 (hg19) VCF-style: chr7-94059640-C-T.
Other names: short protein forms P1346S.
Identifiers: ClinVar variation 456838 (VCV000456838.13), dbSNP rs369008932, ClinGen allele CA4347908.
Genomic context (GRCh38, chr7:94,430,328, plus strand): 5'-AAGACAATCATTGAATACAAAACAAATAAGCCATCACGCCTGCCCTTCCTTGATATTGCA[C>T]CTTTGGACATCGGTGGTGCTGACCAGGAATTCTTTGTGGACATTGGCCCAGTCTGTTTCA-3'
Protein context (NP_000080.2, residues 1336-1356): PSRLPFLDIA[Pro1346Ser]LDIGGADQEF